The following is an entry in ClinVar:

NM_000836.4(GRIN2D):c.88G>C (p.Glu30Gln)

Gene: GRIN2D (glutamate ionotropic receptor NMDA type subunit 2D; plus strand). Cytogenetic location: 19q13.33.
Variant type: single nucleotide variant.
Coding change: c.88G>C on transcript NM_000836.4 (MANE Select); coding-DNA position 88, G replaced by C.
Protein change: p.Glu30Gln; replaces glutamic acid 30 with glutamine.
Molecular consequence: missense variant.
Genome position (GRCh38, 1-based): chr19:48,398,480, G>C. VCF-style: chr19-48398480-G-C. GRCh37 (hg19) VCF-style: chr19-48901737-G-C.
Other names: short protein forms E30Q.
Identifiers: ClinVar variation 4802160 (VCV004802160.1).

ClinVar aggregate classification (germline): Uncertain significance (1 of 4 stars; one submission).

gnomAD v4.1: 3 of 1,041,234 alleles (0.00029%); highest among the groups gnomAD compares: Non-Finnish European, 0.00035%; no homozygotes.

Submission:

Labcorp Genetics (formerly Invitae), Labcorp
Classification: Uncertain significance. Last evaluated: 2025-06-18. Review status: criteria provided, single submitter. Criteria: Invitae Variant Classification Sherloc (09022015). Collection method: clinical testing. Allele origin: germline.
Comment: This sequence change replaces glutamic acid, which is acidic and polar, with glutamine, which is neutral and polar, at codon 30 of the GRIN2D protein (p.Glu30Gln). The frequency data for this variant in the population databases is considered unreliable, as metrics indicate insufficient coverage at this position in the gnomAD database. This variant has not been reported in the literature in individuals affected with GRIN2D-related conditions. Invitae Evidence Modeling of protein sequence and biophysical properties (such as structural, functional, and spatial information, amino acid conservation, physicochemical variation, residue mobility, and thermodynamic stability) indicates that this missense variant is not expected to disrupt GRIN2D protein function with a negative predictive value of 95%. In summary, the available evidence is currently insufficient to determine the role of this variant in disease. Therefore, it has been classified as a Variant of Uncertain Significance.